The following is an entry in ClinVar:

ClinVar aggregate classification (germline): Benign. Review status: criteria provided, multiple submitters, no conflicts (2 of 4 stars). 2 submissions from 2 submitters: Benign (2). Last evaluated 2018-06-14.

Allele frequency attached by ClinVar (database versions not stated): 1000 Genomes Project 0.11721; 1000 Genomes Project 30x 0.11821; TOPMed 0.20733; gnomAD 0.22785 and 0.23354; gnomAD exomes 0.27159.
gnomAD v4.1: 367,911 of 1,381,806 alleles (27%); highest among the groups gnomAD compares: Non-Finnish European, 30%; 54,628 homozygotes.

Submissions (2):

GeneDx
Classification: Benign. Last evaluated: 2018-06-14. Review status: criteria provided, single submitter. Criteria: GeneDx Variant Classification (06012015). Collection method: clinical testing. Allele origin: germline. Affected: yes.
Comment: This variant is considered likely benign or benign based on one or more of the following criteria: it is a conservative change, it occurs at a poorly conserved position in the protein, it is predicted to be benign by multiple in silico algorithms, and/or has population frequency not consistent with disease.

Breakthrough Genomics
Classification: Benign. Review status: criteria provided, single submitter. Criteria: ACMG Guidelines, 2015. Collection method: not provided. Allele origin: germline. Inheritance: Autosomal recessive inheritance. Affected: yes.

NM_030962.4(SBF2):c.4155+91T>C

Gene: SBF2 (SET binding factor 2; minus strand). Cytogenetic location: 11p15.4.
Variant type: single nucleotide variant.
Coding change: c.4155+91T>C on transcript NM_030962.4 (MANE Select); 91 bases into the intron after coding-DNA position 4155, T replaced by C.
Molecular consequence: intron variant.
Genome position (GRCh38, 1-based): chr11:9,812,441, A>G on the plus strand (T>C on the coding strand, the complement: SBF2 is on the minus strand). VCF-style: chr11-9812441-A-G. GRCh37 (hg19) VCF-style: chr11-9833988-A-G.
Other names: c.4026+91T>C (NM_001386342.1); c.4251+91T>C (NM_001386339.1).
Identifiers: ClinVar variation 670544 (VCV000670544.2), dbSNP rs4910065, ClinGen allele CA15686275.